The following is an entry in ClinVar:

NM_012233.3(RAB3GAP1):c.74+136C>T

Gene: RAB3GAP1 (RAB3 GTPase activating protein catalytic subunit 1; plus strand). Cytogenetic location: 2q21.3.
Variant type: single nucleotide variant.
Coding change: c.74+136C>T on transcript NM_012233.3 (MANE Select); 136 bases into the intron after coding-DNA position 74, C replaced by T.
Molecular consequence: intron variant.
Genome position (GRCh38, 1-based): chr2:135,052,621, C>T. VCF-style: chr2-135052621-C-T. GRCh37 (hg19) VCF-style: chr2-135810191-C-T.
Other names: c.74+136C>T (NM_001172435.2).
Identifiers: ClinVar variation 675476 (VCV000675476.1), dbSNP rs75467128, ClinGen allele CA56558992.

ClinVar aggregate classification (germline): Likely benign (1 of 4 stars; one submission).

Allele frequency attached by ClinVar (database versions not stated): 1000 Genomes Project 0.00459; gnomAD 0.00300; TOPMed 0.00393; 1000 Genomes Project 30x 0.00547.
gnomAD v4.1: 797 of 1,037,636 alleles (0.077%); highest among the groups gnomAD compares: African/African-American, 1.1%; 6 homozygotes.

Submission:

GeneDx
Classification: Likely benign. Last evaluated: 2018-06-14. Review status: criteria provided, single submitter. Criteria: GeneDx Variant Classification (06012015). Collection method: clinical testing. Allele origin: germline. Affected: yes.
Comment: This variant is considered likely benign or benign based on one or more of the following criteria: it is a conservative change, it occurs at a poorly conserved position in the protein, it is predicted to be benign by multiple in silico algorithms, and/or has population frequency not consistent with disease.